The following is an entry in ClinVar:

ClinVar aggregate classification (germline): Uncertain significance (1 of 4 stars; one submission).

Submission:

Labcorp Genetics (formerly Invitae), Labcorp
Classification: Uncertain significance. Last evaluated: 2022-09-06. Review status: criteria provided, single submitter. Criteria: Invitae Variant Classification Sherloc (09022015). Collection method: clinical testing. Allele origin: germline.
Comment: This sequence change replaces phenylalanine, which is neutral and non-polar, with tyrosine, which is neutral and polar, at codon 129 of the RPL15 protein (p.Phe129Tyr). In summary, the available evidence is currently insufficient to determine the role of this variant in disease. Therefore, it has been classified as a Variant of Uncertain Significance. Algorithms developed to predict the effect of missense changes on protein structure and function (SIFT, PolyPhen-2, Align-GVGD) all suggest that this variant is likely to be tolerated. This variant has not been reported in the literature in individuals affected with RPL15-related conditions. This variant is not present in population databases (gnomAD no frequency).

NM_002948.5(RPL15):c.386T>A (p.Phe129Tyr)

Genes: NKIRAS1 (NFKB inhibitor interacting Ras like 1; minus strand), RPL15 (ribosomal protein L15; plus strand). Cytogenetic location: 3p24.2.
Variant type: single nucleotide variant.
Coding change: c.386T>A on transcript NM_002948.5 (MANE Select); coding-DNA position 386, T replaced by A.
Protein change: p.Phe129Tyr; replaces phenylalanine 129 with tyrosine.
Molecular consequence: missense variant. On other transcripts: intron variant (2).
Genome position (GRCh38, 1-based): chr3:23,919,272, T>A. VCF-style: chr3-23919272-T-A. GRCh37 (hg19) VCF-style: chr3-23960763-T-A.
Other names: c.386T>A, p.Phe129Tyr (NM_001253379.2, NM_001253380.2, NM_001253382.2 and 1 more transcripts); c.-139-7822A>T (NM_001377380.1); c.360+26T>A (NM_001253384.2); short protein forms F129Y.
Identifiers: ClinVar variation 1941329 (VCV001941329.4), dbSNP rs2471230768, ClinGen allele CA351882136.
Genomic context (GRCh38, chr3:23,919,272, plus strand): 5'-ACTGTGGGGCTCTGAGAGTCCTGAATTCTTACTGGGTTGGTGAAGATTCCACATACAAAT[T>A]TTTTGAGGTTATCCTCATTGATCCATTCCATAAAGCTATCAGAAGAAATCCTGACACCCA-3'
Protein context (NP_002939.2, residues 119-139): YWVGEDSTYK[Phe129Tyr]FEVILIDPFH